The following is an entry in ClinVar:

ClinVar aggregate classification (germline): Uncertain significance (1 of 4 stars; one submission).

Allele frequency attached by ClinVar (database versions not stated): gnomAD 0.00001; TOPMed 0.00001; gnomAD exomes 0.00003.
gnomAD v4.1: 49 of 1,610,092 alleles (0.003%); highest among the groups gnomAD compares: Non-Finnish European, 0.004%; no homozygotes.

Submission:

Labcorp Genetics (formerly Invitae), Labcorp
Classification: Uncertain significance. Last evaluated: 2025-08-18. Review status: criteria provided, single submitter. Criteria: Invitae Variant Classification Sherloc (09022015). Collection method: clinical testing. Allele origin: germline.
Comment: This sequence change replaces threonine, which is neutral and polar, with proline, which is neutral and non-polar, at codon 475 of the PLK4 protein (p.Thr475Pro). The frequency data for this variant in the population databases is considered unreliable, as metrics indicate poor data quality at this position in the gnomAD database. This variant has not been reported in the literature in individuals affected with PLK4-related conditions. ClinVar contains an entry for this variant (Variation ID: 1902650). An algorithm developed to predict the effect of missense changes on protein structure and function (PolyPhen-2) suggests that this variant is likely to be tolerated. In summary, the available evidence is currently insufficient to determine the role of this variant in disease. Therefore, it has been classified as a Variant of Uncertain Significance.

NM_014264.5(PLK4):c.1423A>C (p.Thr475Pro)

Gene: PLK4 (polo like kinase 4; plus strand). Cytogenetic location: 4q28.1.
Variant type: single nucleotide variant.
Coding change: c.1423A>C on transcript NM_014264.5 (MANE Select); coding-DNA position 1423, A replaced by C.
Protein change: p.Thr475Pro; replaces threonine 475 with proline.
Molecular consequence: missense variant.
Genome position (GRCh38, 1-based): chr4:127,887,460, A>C. VCF-style: chr4-127887460-A-C. GRCh37 (hg19) VCF-style: chr4-128808615-A-C.
Other names: c.1327A>C, p.Thr443Pro (NM_001190799.2); c.1300A>C, p.Thr434Pro (NM_001190801.2); short protein forms T434P, T443P, T475P.
Identifiers: ClinVar variation 1902650 (VCV001902650.3), dbSNP rs1345055790, ClinGen allele CA358154872.